The following is an entry in ClinVar:

NM_000081.4(LYST):c.3544A>G (p.Met1182Val)

Gene: LYST (lysosomal trafficking regulator; minus strand). Cytogenetic location: 1q42.3.
Variant type: single nucleotide variant.
Coding change: c.3544A>G on transcript NM_000081.4 (MANE Select); coding-DNA position 3544, A replaced by G.
Protein change: p.Met1182Val; replaces methionine 1182 with valine.
Molecular consequence: missense variant.
Genome position (GRCh38, 1-based): chr1:235,804,515, T>C on the plus strand (A>G on the coding strand, the complement: LYST is on the minus strand). VCF-style: chr1-235804515-T-C. GRCh37 (hg19) VCF-style: chr1-235967815-T-C.
Other names: c.3544A>G, p.Met1182Val (NM_001301365.1); short protein forms M1182V.
Identifiers: ClinVar variation 2196795 (VCV002196795.2), dbSNP rs749553632, ClinGen allele CA1467052.
Genomic context (GRCh38, chr1:235,804,515, plus strand): 5'-CCTCTGCTGGTCATACCCAAAGAACACAACTATATGTTGTTATTCATACCTTCTCAGTCA[T>C]AGCATCATTATGTTCAAAATCTGCTGAATAATTCCCGAGGGCAACTCGAAGCAGGGCATC-3'
Protein context (NP_000072.2, residues 1172-1192): YSADFEHNDA[Met1182Val]TEKSHQSAEE

ClinVar aggregate classification (germline): Conflicting classifications of pathogenicity. Review status: criteria provided, conflicting classifications (1 of 4 stars). 2 submissions from 2 submitters: Uncertain significance (1); Likely benign (1). Last evaluated 2024-11-22.

Conditions:
Chédiak-Higashi syndrome (CHS). Also called: Chediak-Higashi Syndrome. Identifiers: Orphanet 167, MedGen C0007965, MONDO:0008963, OMIM 214500.

Allele frequency attached by ClinVar (database versions not stated): gnomAD 0.00002; TOPMed 0.00002; ExAC 0.00004.

Submissions (2):

Blueprint Genetics
Classification: Likely benign. Last evaluated: 2024-11-22. Review status: criteria provided, single submitter. Criteria: ACMG Guidelines, 2015. Collection method: clinical testing. Allele origin: germline.

Labcorp Genetics (formerly Invitae), Labcorp
Classification: Uncertain significance for Chédiak-Higashi syndrome. Last evaluated: 2022-07-28. Review status: criteria provided, single submitter. Criteria: Invitae Variant Classification Sherloc (09022015). Collection method: clinical testing. Allele origin: germline.
Comment: This sequence change replaces methionine, which is neutral and non-polar, with valine, which is neutral and non-polar, at codon 1182 of the LYST protein (p.Met1182Val). This variant is present in population databases (rs749553632, gnomAD 0.007%). This variant has not been reported in the literature in individuals affected with LYST-related conditions. Algorithms developed to predict the effect of missense changes on protein structure and function output the following: SIFT: "Tolerated"; PolyPhen-2: "Benign"; Align-GVGD: "Class C0". The valine amino acid residue is found in multiple mammalian species, which suggests that this missense change does not adversely affect protein function. In summary, the available evidence is currently insufficient to determine the role of this variant in disease. Therefore, it has been classified as a Variant of Uncertain Significance.